The following is an entry in ClinVar:

ClinVar aggregate classification (germline): Uncertain significance (1 of 4 stars; one submission).

Conditions:
Autosomal dominant limb-girdle muscular dystrophy type 1F (LGMDD2). Also called: Limb-girdle muscular dystrophy, type 1F; MUSCULAR DYSTROPHY, LIMB-GIRDLE, AUTOSOMAL DOMINANT 2. Identifiers: Orphanet 55595, MedGen C1842062, MONDO:0012034, OMIM 608423.

Allele frequency attached by ClinVar (database versions not stated): TOPMed below 0.00001; gnomAD 0.00001; ExAC 0.00002; gnomAD exomes 0.00002.
gnomAD v4.1: 6 of 1,614,078 alleles (0.00037%); highest among the groups gnomAD compares: Admixed American, 0.0017%; no homozygotes.

Submission:

Labcorp Genetics (formerly Invitae), Labcorp
Classification: Uncertain significance for Autosomal dominant limb-girdle muscular dystrophy type 1F. Last evaluated: 2021-08-07. Review status: criteria provided, single submitter. Criteria: Invitae Variant Classification Sherloc (09022015). Collection method: clinical testing. Allele origin: germline.
Comment: This variant is present in population databases (rs774723247, ExAC 0.01%). This sequence change replaces proline with alanine at codon 847 of the TNPO3 protein (p.Pro847Ala). The proline residue is moderately conserved and there is a small physicochemical difference between proline and alanine. This variant has not been reported in the literature in individuals affected with TNPO3-related conditions. ClinVar contains an entry for this variant (Variation ID: 1001950). Algorithms developed to predict the effect of missense changes on protein structure and function (SIFT, PolyPhen-2, Align-GVGD) all suggest that this variant is likely to be tolerated. In summary, the available evidence is currently insufficient to determine the role of this variant in disease. Therefore, it has been classified as a Variant of Uncertain Significance.

NM_012470.4(TNPO3):c.2539C>G (p.Pro847Ala)

Gene: TNPO3 (transportin 3; minus strand). Cytogenetic location: 7q32.1.
Variant type: single nucleotide variant.
Coding change: c.2539C>G on transcript NM_012470.4 (MANE Select); coding-DNA position 2539, C replaced by G.
Protein change: p.Pro847Ala; replaces proline 847 with alanine.
Molecular consequence: missense variant. On other transcripts: non-coding transcript variant (18).
Genome position (GRCh38, 1-based): chr7:128,970,207, G>C on the plus strand (C>G on the coding strand, the complement: TNPO3 is on the minus strand). VCF-style: chr7-128970207-G-C. GRCh37 (hg19) VCF-style: chr7-128610261-G-C.
Other names: c.2347C>G, p.Pro783Ala (NM_001191028.3, NM_001382223.1); c.2641C>G, p.Pro881Ala (NM_001382216.1); c.2620C>G, p.Pro874Ala (NM_001382217.1); c.2539C>G, p.Pro847Ala (NM_001382218.1); c.2431C>G, p.Pro811Ala (NM_001382219.1); c.2398C>G, p.Pro800Ala (NM_001382220.1); c.2395C>G, p.Pro799Ala (NM_001382221.1); c.2392C>G, p.Pro798Ala (NM_001382222.1); short protein forms P783A, P798A, P799A, P800A, P811A, P847A, P874A, P881A.
Identifiers: ClinVar variation 1001950 (VCV001001950.9), dbSNP rs774723247, ClinGen allele CA4477855.